The following is an entry in ClinVar:

NM_002693.3(POLG):c.3549C>T (p.Val1183=)

Gene: POLG (DNA polymerase gamma, catalytic subunit; minus strand). Cytogenetic location: 15q26.1.
Variant type: single nucleotide variant.
Coding change: c.3549C>T on transcript NM_002693.3 (MANE Select); coding-DNA position 3549, C replaced by T.
Protein change: p.Val1183=; no amino-acid change (valine 1183 retained).
Molecular consequence: synonymous variant.
Genome position (GRCh38, 1-based): chr15:89,317,470, G>A on the plus strand (C>T on the coding strand, the complement: POLG is on the minus strand). VCF-style: chr15-89317470-G-A. GRCh37 (hg19) VCF-style: chr15-89860701-G-A.
Other names: c.3549C>T, p.Val1183= (NM_001126131.2).
Identifiers: ClinVar variation 317322 (VCV000317322.19), dbSNP rs777231247, ClinGen allele CA7724100.

ClinVar aggregate classification (germline): Conflicting classifications of pathogenicity. Review status: criteria provided, conflicting classifications (1 of 4 stars). 5 submissions from 5 submitters: Uncertain significance (1); Likely benign (3). 1 of the submissions does not count toward it. Last evaluated 2025-12-13.

Conditions:
POLG-related disorder. Also called: POLG-related condition; POLG-Related Disorders; POLG-Related Spectrum Disorders. Identifiers: MedGen C4763519.
Progressive sclerosing poliodystrophy (MTDPS4A). Also called: NEURONAL DEGENERATION OF CHILDHOOD WITH LIVER DISEASE, PROGRESSIVE; Mitochondrial DNA depletion syndrome 4A (Alpers type); ALPERS PROGRESSIVE INFANTILE POLIODYSTROPHY; Alpers-Huttenlocher Syndrome (AHS); ALPERS DIFFUSE DEGENERATION OF CEREBRAL GRAY MATTER WITH HEPATIC CIRRHOSIS; Alpers-Huttenlocher Syndrome. Identifiers: Orphanet 726, MedGen C0205710, MONDO:0008758, OMIM 203700.

Allele frequency attached by ClinVar (database versions not stated): gnomAD 0.00002; gnomAD exomes 0.00002 and 0.00007; TOPMed 0.00002; ExAC 0.00009.
gnomAD v4.1: 35 of 1,613,800 alleles (0.0022%); highest among the groups gnomAD compares: Middle Eastern, 0.41%; 3 homozygotes.

Submissions (5):

Labcorp Genetics (formerly Invitae), Labcorp
Classification: Likely benign for Progressive sclerosing poliodystrophy. Last evaluated: 2025-12-13. Review status: criteria provided, single submitter. Criteria: Invitae Variant Classification Sherloc (09022015). Collection method: clinical testing. Allele origin: germline.

Blueprint Genetics
Classification: Likely benign. Last evaluated: 2023-08-16. Review status: criteria provided, single submitter. Criteria: ACMG Guidelines, 2015. Collection method: clinical testing. Allele origin: germline.

GeneDx
Classification: Likely benign. Last evaluated: 2021-05-26. Review status: criteria provided, single submitter. Criteria: GeneDx Variant Classification Process June 2021. Collection method: clinical testing. Allele origin: germline. Affected: yes.

Illumina Laboratory Services, Illumina
Classification: Uncertain significance for POLG-Related Spectrum Disorders. Last evaluated: 2018-01-12. Review status: criteria provided, single submitter. Criteria: ICSL Variant Classification Criteria 13 December 2019. Collection method: clinical testing. Allele origin: germline.

PreventionGenetics, part of Exact Sciences
Classification: Likely benign for POLG-related condition. Last evaluated: 2021-06-09. Review status: no assertion criteria provided. Collection method: clinical testing. Allele origin: germline. Not counted in ClinVar's aggregate classification.
Comment: This variant is classified as likely benign based on ACMG/AMP sequence variant interpretation guidelines (Richards et al. 2015 PMID: 25741868, with internal and published modifications).